The following is an entry in ClinVar:

NM_017617.5(NOTCH1):c.2194del (p.Asp732fs)

Gene: NOTCH1 (notch receptor 1; minus strand). Cytogenetic location: 9q34.3.
Variant type: Deletion.
Coding change: c.2194del on transcript NM_017617.5 (MANE Select); coding-DNA position 2194, one base deleted (G; older notation c.2194delG).
Protein change: p.Asp732fs; shifts the reading frame from aspartic acid 732.
Molecular consequence: frameshift variant.
Genome position (GRCh38, 1-based): chr9:136,514,523, C deleted on the plus strand (G on the coding strand, the reverse complement: NOTCH1 is on the minus strand); the first of 3 consecutive C bases (chr9:136,514,523-136,514,525); deleting any one gives the same sequence. VCF-style (leftmost placement, unchanged base first): chr9-136514522-TC-T. GRCh37 (hg19) VCF-style: chr9-139408974-TC-T.
Other names: short protein forms D732fs.
Identifiers: ClinVar variation 4851772 (VCV004851772.1).
Genomic context (GRCh38, chr9:136,514,522, plus strand): 5'-CCCAGGGTTTAGGACTGATGTGTCCCCATGATCGGCCCCGCCGCATACCCGTTGAGGCTG[TC>T]CCGGCAGGCCCCGTGGACGCAGGGGTTGCTGTTGCACTCATTGACCTCAGACAGGCAGGT-3'

ClinVar aggregate classification (germline): Likely pathogenic (1 of 4 stars; one submission).

Conditions:
Adams-Oliver syndrome 5 (AOS5). Identifiers: Orphanet 974, MedGen C4014970, MONDO:0014459, OMIM 616028.

Submission:

Greenwood Genetic Center Diagnostic Laboratories, Greenwood Genetic Center
Classification: Likely pathogenic for Adams-Oliver syndrome 5. Last evaluated: 2025-02-13. Review status: criteria provided, single submitter. Criteria: ACMG Guidelines, 2015. Collection method: clinical testing. Allele origin: germline. Affected: yes.
Comment: PVS1, PM2